The following is an entry in ClinVar:

NM_001376.5(DYNC1H1):c.7554C>G (p.Ile2518Met)

Gene: DYNC1H1 (dynein cytoplasmic 1 heavy chain 1; plus strand). Cytogenetic location: 14q32.31.
Variant type: single nucleotide variant.
Coding change: c.7554C>G on transcript NM_001376.5 (MANE Select); coding-DNA position 7554, C replaced by G.
Protein change: p.Ile2518Met; replaces isoleucine 2518 with methionine.
Molecular consequence: missense variant.
Genome position (GRCh38, 1-based): chr14:102,016,429, C>G. VCF-style: chr14-102016429-C-G. GRCh37 (hg19) VCF-style: chr14-102482766-C-G.
Other names: short protein forms I2518M.
Identifiers: ClinVar variation 3636160 (VCV003636160.3).
Genomic context (GRCh38, chr14:102,016,429, plus strand): 5'-ACTCTGGTCCCTGTCTGGAGACAGCCGGCTAAAAATGAGAGCAGAGCTGGGTGAATACAT[C>G]AGAAGAATCACGACCGTGCCTCTGCCCACTGCGCCCAACATACCCATTATCGATTATGAG-3'
Protein context (NP_001367.2, residues 2508-2528): LKMRAELGEY[Ile2518Met]RRITTVPLPT

ClinVar aggregate classification (germline): Uncertain significance. Review status: criteria provided, multiple submitters, no conflicts (2 of 4 stars). 2 submissions from 2 submitters: Uncertain significance (2). Last evaluated 2026-07-01.

Conditions:
Charcot-Marie-Tooth disease axonal type 2O. Also called: Charcot-Marie-Tooth disease, axonal, type 20; CHARCOT-MARIE-TOOTH NEUROPATHY, AXONAL, TYPE 2O; CHARCOT-MARIE-TOOTH DISEASE, AXONAL, AUTOSOMAL DOMINANT, TYPE 2O; Charcot-Marie-Tooth Neuropathy Type 2O. Identifiers: Orphanet 284232, MedGen C3280220, MONDO:0013644, OMIM 614228.

gnomAD v4.1: 1 of 1,614,044 alleles (0.000062%); highest among the groups gnomAD compares: African/African-American, 0.0013%; no homozygotes.

Submissions (2):

CeGaT Center for Human Genetics Tuebingen
Classification: Uncertain significance. Last evaluated: 2026-07-01. Review status: criteria provided, single submitter. Criteria: CeGaT Center For Human Genetics Tuebingen Variant Classification Criteria Version 2. Collection method: clinical testing. Allele origin: germline. Affected: yes. Observed: 1 variant allele.
Comment: DYNC1H1: PM2

Labcorp Genetics (formerly Invitae), Labcorp
Classification: Uncertain significance for Charcot-Marie-Tooth disease axonal type 2O. Last evaluated: 2024-09-09. Review status: criteria provided, single submitter. Criteria: Invitae Variant Classification Sherloc (09022015). Collection method: clinical testing. Allele origin: germline.
Comment: This sequence change replaces isoleucine, which is neutral and non-polar, with methionine, which is neutral and non-polar, at codon 2518 of the DYNC1H1 protein (p.Ile2518Met). This variant is not present in population databases (gnomAD no frequency). This variant has not been reported in the literature in individuals affected with DYNC1H1-related conditions. Invitae Evidence Modeling of protein sequence and biophysical properties (such as structural, functional, and spatial information, amino acid conservation, physicochemical variation, residue mobility, and thermodynamic stability) indicates that this missense variant is not expected to disrupt DYNC1H1 protein function with a negative predictive value of 95%. In summary, the available evidence is currently insufficient to determine the role of this variant in disease. Therefore, it has been classified as a Variant of Uncertain Significance.